The following is an entry in ClinVar:

ClinVar aggregate classification (germline): Benign. Review status: criteria provided, multiple submitters, no conflicts (2 of 4 stars). 2 submissions from 2 submitters: Benign (2). Last evaluated 2018-06-19.

Allele frequency attached by ClinVar (database versions not stated): gnomAD exomes 0.15612; gnomAD 0.27758 and 0.28525; 1000 Genomes Project 0.29852; TOPMed 0.30245; 1000 Genomes Project 30x 0.30949.
gnomAD v4.1: 109,714 of 582,904 alleles (19%); highest among the groups gnomAD compares: African/African-American, 62%; 17,005 homozygotes.

Submissions (2):

GeneDx
Classification: Benign. Last evaluated: 2018-06-19. Review status: criteria provided, single submitter. Criteria: GeneDx Variant Classification (06012015). Collection method: clinical testing. Allele origin: germline. Affected: yes.
Comment: This variant is considered likely benign or benign based on one or more of the following criteria: it is a conservative change, it occurs at a poorly conserved position in the protein, it is predicted to be benign by multiple in silico algorithms, and/or has population frequency not consistent with disease.

Breakthrough Genomics
Classification: Benign. Review status: criteria provided, single submitter. Criteria: ACMG Guidelines, 2015. Collection method: not provided. Allele origin: germline. Inheritance: Autosomal recessive inheritance. Affected: yes.

NM_181882.3(PRX):c.27+274G>A

Gene: PRX (periaxin; minus strand). Cytogenetic location: 19q13.2.
Variant type: single nucleotide variant.
Coding change: c.27+274G>A on transcript NM_181882.3 (MANE Select); 274 bases into the intron after coding-DNA position 27, G replaced by A.
Molecular consequence: intron variant.
Genome position (GRCh38, 1-based): chr19:40,407,632, C>T on the plus strand (G>A on the coding strand, the complement: PRX is on the minus strand). VCF-style: chr19-40407632-C-T. GRCh37 (hg19) VCF-style: chr19-40913539-C-T.
Other names: c.27+274G>A (NM_020956.2).
Identifiers: ClinVar variation 680722 (VCV000680722.2), dbSNP rs16974263, ClinGen allele CA14676313.